The following is an entry in ClinVar:

ClinVar aggregate classification (germline): Likely benign (1 of 4 stars; one submission).

Allele frequency attached by ClinVar (database versions not stated): TOPMed below 0.00001.

Submission:

CeGaT Center for Human Genetics Tuebingen
Classification: Likely benign. Last evaluated: 2022-05-01. Review status: criteria provided, single submitter. Criteria: CeGaT Center For Human Genetics Tuebingen Variant Classification Criteria Version 2. Collection method: clinical testing. Allele origin: germline. Affected: yes. Observed: 1 variant allele.
Comment: SOX4: PM2:Supporting, BP4, BP7

NM_003107.3(SOX4):c.801C>T (p.Ala267=)

Genes: SOX4 (SRY-box transcription factor 4; plus strand), LOC129995965 (ATAC-STARR-seq lymphoblastoid silent region 16985; plus strand). Cytogenetic location: 6p22.3.
Variant type: single nucleotide variant.
Coding change: c.801C>T on transcript NM_003107.3 (MANE Select); coding-DNA position 801, C replaced by T.
Protein change: p.Ala267=; no amino-acid change (alanine 267 retained).
Molecular consequence: synonymous variant.
Genome position (GRCh38, 1-based): chr6:21,595,335, C>T. VCF-style: chr6-21595335-C-T. GRCh37 (hg19) VCF-style: chr6-21595566-C-T.
Identifiers: ClinVar variation 2656276 (VCV002656276.24), dbSNP rs1763116021, ClinGen allele CA448962444.